The following is an entry in ClinVar:

NM_001844.5(COL2A1):c.2759C>A (p.Pro920His)

Gene: COL2A1 (collagen type II alpha 1 chain; minus strand). Cytogenetic location: 12q13.11.
Variant type: single nucleotide variant.
Coding change: c.2759C>A on transcript NM_001844.5 (MANE Select); coding-DNA position 2759, C replaced by A.
Protein change: p.Pro920His; replaces proline 920 with histidine.
Molecular consequence: missense variant.
Genome position (GRCh38, 1-based): chr12:47,978,733, G>T on the plus strand (C>A on the coding strand, the complement: COL2A1 is on the minus strand). VCF-style: chr12-47978733-G-T. GRCh37 (hg19) VCF-style: chr12-48372516-G-T.
Other names: c.2552C>A, p.Pro851His (NM_033150.3); short protein forms P920H, P851H.
Identifiers: ClinVar variation 2757554 (VCV002757554.3), dbSNP rs1938872300, ClinGen allele CA384542533.
Genomic context (GRCh38, chr12:47,978,733, plus strand): 5'-CGGCCAGGGGGGCCGCTGTCTCCTCGAGCACCTTTGGGACCATCTTTTCCAGAAGGACCA[G>T]GGGGACCAGGGGGTCCAGGGTTGCCCTAGAAGGAGAAAATGCGGGAAGTGAGGACTCATC-3'
Protein context (NP_001835.3, residues 910-930): SNGNPGPPGP[Pro920His]GPSGKDGPKG

ClinVar aggregate classification (germline): Uncertain significance (1 of 4 stars; one submission).

Allele frequency attached by ClinVar (database versions not stated): TOPMed below 0.00001.

Submission:

Labcorp Genetics (formerly Invitae), Labcorp
Classification: Uncertain significance. Last evaluated: 2023-09-03. Review status: criteria provided, single submitter. Criteria: Invitae Variant Classification Sherloc (09022015). Collection method: clinical testing. Allele origin: germline.
Comment: This variant has not been reported in the literature in individuals affected with COL2A1-related conditions. In summary, the available evidence is currently insufficient to determine the role of this variant in disease. Therefore, it has been classified as a Variant of Uncertain Significance. Advanced modeling of protein sequence and biophysical properties (such as structural, functional, and spatial information, amino acid conservation, physicochemical variation, residue mobility, and thermodynamic stability) has been performed at Invitae for this missense variant, however the output from this modeling did not meet the statistical confidence thresholds required to predict the impact of this variant on COL2A1 protein function. This variant is not present in population databases (gnomAD no frequency). This sequence change replaces proline, which is neutral and non-polar, with histidine, which is basic and polar, at codon 920 of the COL2A1 protein (p.Pro920His).